The following is an entry in ClinVar:

NM_017654.4(SAMD9):c.4622T>C (p.Ile1541Thr)

Gene: SAMD9 (sterile alpha motif domain containing 9; minus strand). Cytogenetic location: 7q21.2.
Variant type: single nucleotide variant.
Coding change: c.4622T>C on transcript NM_017654.4 (MANE Select); coding-DNA position 4622, T replaced by C.
Protein change: p.Ile1541Thr; replaces isoleucine 1541 with threonine.
Molecular consequence: missense variant.
Genome position (GRCh38, 1-based): chr7:93,101,476, A>G on the plus strand (T>C on the coding strand, the complement: SAMD9 is on the minus strand). VCF-style: chr7-93101476-A-G. GRCh37 (hg19) VCF-style: chr7-92730789-A-G.
Other names: c.4622T>C, p.Ile1541Thr (NM_001193307.2); short protein forms I1541T.
Identifiers: ClinVar variation 5028730 (VCV005028730.1).
Genomic context (GRCh38, chr7:93,101,476, plus strand): 5'-AGTTGACCTAAAAAAGCGGGAGTGATGGGTATTGTGATTTTTTCATTGATTCCATATTCT[A>G]TATATAAACAATTGTTTTCAGCTCGACCTTGTAAACGAAGCAAAAGTTCTTGGACTTTTT-3'
Protein context (NP_060124.2, residues 1531-1551): QGRAENNCLY[Ile1541Thr]EYGINEKITI

ClinVar aggregate classification (germline): Uncertain significance (1 of 4 stars; one submission).

Conditions:
Inborn genetic diseases. Identifiers: MedGen C0950123, MeSH D030342.

gnomAD v4.1: 1 of 1,613,732 alleles (0.000062%); no homozygotes.

Submission:

Ambry Genetics
Classification: Uncertain significance for Inborn genetic diseases. Last evaluated: 2026-06-18. Review status: criteria provided, single submitter. Criteria: Ambry Variant Classification Scheme 2023. Collection method: clinical testing. Allele origin: germline.
Comment: The p.I1541T variant (also known as c.4622T>C), located in coding exon 1 of the SAMD9 gene, results from a T to C substitution at nucleotide position 4622. The isoleucine at codon 1541 is replaced by threonine, an amino acid with similar properties. This amino acid position is conserved. In addition, this alteration is predicted to be tolerated by in silico analysis. Based on the available evidence, the clinical significance of this variant remains unclear.